The following is an entry in ClinVar:

NM_001035.3(RYR2):c.1901A>G (p.Asp634Gly)

Gene: RYR2 (ryanodine receptor 2; plus strand). Cytogenetic location: 1q43.
Variant type: single nucleotide variant.
Coding change: c.1901A>G on transcript NM_001035.3 (MANE Select); coding-DNA position 1901, A replaced by G.
Protein change: p.Asp634Gly; replaces aspartic acid 634 with glycine.
Molecular consequence: missense variant.
Genome position (GRCh38, 1-based): chr1:237,493,027, A>G. VCF-style: chr1-237493027-A-G. GRCh37 (hg19) VCF-style: chr1-237656327-A-G.
Other names: short protein forms D634G.
Identifiers: ClinVar variation 3073457 (VCV003073457.1), dbSNP rs746723128, ClinGen allele CA085909.

ClinVar aggregate classification (germline): Uncertain significance (1 of 4 stars; one submission).

Conditions:
Catecholaminergic polymorphic ventricular tachycardia (CVPT). Also called: Catecholamine-induced polymorphic ventricular tachycardia. Identifiers: Orphanet 3286, MedGen C5574922, MONDO:0017990.

Allele frequency attached by ClinVar (database versions not stated): gnomAD exomes below 0.00001; ExAC 0.00001.
gnomAD v4.1: 2 of 1,612,832 alleles (0.00012%); highest among the groups gnomAD compares: Non-Finnish European, 0.00017%; no homozygotes.

Submission:

All of Us Research Program, National Institutes of Health
Classification: Uncertain significance for Catecholaminergic polymorphic ventricular tachycardia. Last evaluated: 2023-09-17. Review status: criteria provided, single submitter. Criteria: ACMG Guidelines, 2015. Collection method: clinical testing. Allele origin: germline. Inheritance: Autosomal dominant inheritance. Observed: 1 variant allele, 1 heterozygote.
Comment: This missense variant replaces aspartic acid with glycine at codon 634 of the RYR2 protein. Computational prediction suggests that this variant may have deleterious impact on protein structure and function (internally defined REVEL score threshold >= 0.7, PMID: 27666373). To our knowledge, functional studies have not been reported for this variant. This variant has not been reported in individuals affected with RYR2-related disorders in the literature. This variant has been identified in 1/247224 chromosomes in the general population by the Genome Aggregation Database (gnomAD). The available evidence is insufficient to determine the role of this variant in disease conclusively. Therefore, this variant is classified as a Variant of Uncertain Significance.

This study involves interpretation of variants in research participants for the purpose of population health screening. Participant phenotype was not available at the time of variant classification. Additional details can be found in publication PMID: 35346344, PMCID: PMC8962531